The following is an entry in ClinVar:

ClinVar aggregate classification (germline): Uncertain significance (1 of 4 stars; one submission).

Allele frequency attached by ClinVar (database versions not stated): gnomAD exomes below 0.00001; ExAC 0.00001.
gnomAD v4.1: 2 of 1,613,564 alleles (0.00012%); highest among the groups gnomAD compares: Non-Finnish European, 0.00017%; no homozygotes.

Submission:

Labcorp Genetics (formerly Invitae), Labcorp
Classification: Uncertain significance. Last evaluated: 2024-08-30. Review status: criteria provided, single submitter. Criteria: Invitae Variant Classification Sherloc (09022015). Collection method: clinical testing. Allele origin: germline.
Comment: This sequence change falls in intron 37 of the NBAS gene. It does not directly change the encoded amino acid sequence of the NBAS protein. It affects a nucleotide within the consensus splice site. This variant is present in population databases (rs773980519, gnomAD 0.0009%). This variant has not been reported in the literature in individuals affected with NBAS-related conditions. ClinVar contains an entry for this variant (Variation ID: 1393640). Variants that disrupt the consensus splice site are a relatively common cause of aberrant splicing (PMID: 17576681, 9536098). Algorithms developed to predict the effect of sequence changes on RNA splicing suggest that this variant may disrupt the consensus splice site. In summary, the available evidence is currently insufficient to determine the role of this variant in disease. Therefore, it has been classified as a Variant of Uncertain Significance.

Literature cited by the submitters: PubMed 17576681; PubMed 9536098.

NM_015909.4(NBAS):c.4462-3T>A

Gene: NBAS (NBAS subunit of NRZ tethering complex; minus strand). Cytogenetic location: 2p24.3.
Variant type: single nucleotide variant.
Coding change: c.4462-3T>A on transcript NM_015909.4 (MANE Select); 3 bases into the intron before coding-DNA position 4462, T replaced by A.
Molecular consequence: intron variant.
Genome position (GRCh38, 1-based): chr2:15,327,873, A>T on the plus strand (T>A on the coding strand, the complement: NBAS is on the minus strand). VCF-style: chr2-15327873-A-T. GRCh37 (hg19) VCF-style: chr2-15467997-A-T.
Identifiers: ClinVar variation 1393640 (VCV001393640.5), dbSNP rs773980519, ClinGen allele CA1535628.